The following is an entry in ClinVar:

ClinVar aggregate classification (germline): Uncertain significance (1 of 4 stars; one submission).

Conditions:
Primary ciliary dyskinesia 23 (CILD23). Also called: CILIARY DYSKINESIA, PRIMARY, 23, WITH OR WITHOUT SITUS INVERSUS. Identifiers: Orphanet 244, MedGen C3809548, MONDO:0014193, OMIM 615451.

Allele frequency attached by ClinVar (database versions not stated): gnomAD exomes 0.00002 and 0.00011; gnomAD 0.00004 and 0.00005; TOPMed 0.00004; ExAC 0.00016; 1000 Genomes Project 0.00040; 1000 Genomes Project 30x 0.00047.
gnomAD v4.1: 38 of 1,608,996 alleles (0.0024%); highest among the groups gnomAD compares: East Asian, 0.083%; 1 homozygote.

Submission:

Labcorp Genetics (formerly Invitae), Labcorp
Classification: Uncertain significance for Primary ciliary dyskinesia 23. Last evaluated: 2021-08-28. Review status: criteria provided, single submitter. Criteria: Invitae Variant Classification Sherloc (09022015). Collection method: clinical testing. Allele origin: germline.
Comment: This sequence change replaces glutamine with glutamic acid at codon 177 of the ARMC4 protein (p.Gln177Glu). The glutamine residue is highly conserved and there is a small physicochemical difference between glutamine and glutamic acid. This variant is present in population databases (rs569047328, ExAC 0.2%). This variant has not been reported in the literature in individuals affected with ARMC4-related conditions. Algorithms developed to predict the effect of missense changes on protein structure and function output the following: SIFT: "Deleterious"; PolyPhen-2: "Benign"; Align-GVGD: "Class C0". The glutamic acid amino acid residue is found in multiple mammalian species, which suggests that this missense change does not adversely affect protein function. In summary, the available evidence is currently insufficient to determine the role of this variant in disease. Therefore, it has been classified as a Variant of Uncertain Significance.

NM_018076.5(ODAD2):c.529C>G (p.Gln177Glu)

Gene: ODAD2 (outer dynein arm docking complex subunit 2; minus strand). Cytogenetic location: 10p12.1.
Variant type: single nucleotide variant.
Coding change: c.529C>G on transcript NM_018076.5 (MANE Select); coding-DNA position 529, C replaced by G.
Protein change: p.Gln177Glu; replaces glutamine 177 with glutamic acid.
Molecular consequence: missense variant.
Genome position (GRCh38, 1-based): chr10:27,985,065, G>C on the plus strand (C>G on the coding strand, the complement: ODAD2 is on the minus strand). VCF-style: chr10-27985065-G-C. GRCh37 (hg19) VCF-style: chr10-28273994-G-C.
Other names: c.529C>G, p.Gln177Glu (NM_001290020.2); short protein forms Q177E.
Identifiers: ClinVar variation 654029 (VCV000654029.6), dbSNP rs569047328, ClinGen allele CA5453797.